The following is an entry in ClinVar:

ClinVar aggregate classification (germline): Benign/Likely benign. Review status: criteria provided, multiple submitters, no conflicts (2 of 4 stars). 2 submissions from 2 submitters: Benign (1); Likely benign (1). Last evaluated 2026-02-27.

Conditions:
CSGALNACT1-related disorder. Also called: CSGALNACT1-related condition.

Allele frequency attached by ClinVar (database versions not stated): gnomAD 0.00017; 1000 Genomes Project 0.00100; 1000 Genomes Project 30x 0.00156.
gnomAD v4.1: 477 of 1,588,394 alleles (0.03%); highest among the groups gnomAD compares: South Asian, 0.51%; 4 homozygotes.

Submissions (2):

PreventionGenetics, part of Exact Sciences
Classification: Likely benign for CSGALNACT1-related condition. Last evaluated: 2026-02-27. Review status: criteria provided, single submitter. Criteria: ACMG Guidelines, 2015. Collection method: clinical testing. Allele origin: germline.
Comment: This variant is classified as likely benign based on ACMG/AMP sequence variant interpretation guidelines (Richards et al. 2015 PMID: 25741868, with internal and published modifications).

Labcorp Genetics (formerly Invitae), Labcorp
Classification: Benign. Last evaluated: 2025-05-05. Review status: criteria provided, single submitter. Criteria: Invitae Variant Classification Sherloc (09022015). Collection method: clinical testing. Allele origin: germline.

NM_001354483.2(CSGALNACT1):c.1227+9T>G

Gene: CSGALNACT1 (chondroitin sulfate N-acetylgalactosaminyltransferase 1; minus strand). Cytogenetic location: 8p21.3.
Variant type: single nucleotide variant.
Coding change: c.1227+9T>G on transcript NM_001354483.2 (MANE Select); 9 bases into the intron after coding-DNA position 1227, T replaced by G.
Molecular consequence: intron variant.
Genome position (GRCh38, 1-based): chr8:19,418,647, A>C on the plus strand (T>G on the coding strand, the complement: CSGALNACT1 is on the minus strand). VCF-style: chr8-19418647-A-C. GRCh37 (hg19) VCF-style: chr8-19276158-A-C.
Other names: c.1227+9T>G (NM_001354476.2, NM_001354481.2, NM_001354477.2 and 19 more transcripts).
Identifiers: ClinVar variation 1661871 (VCV001661871.9), dbSNP rs536632167, ClinGen allele CA4653859.